The following is an entry in ClinVar:

ClinVar aggregate classification (germline): Uncertain significance (1 of 4 stars; one submission).

Conditions:
Neuroblastoma, susceptibility to, 3. Also called: ALK-Related Neuroblastic Tumor Susceptibility. Identifiers: Orphanet 635, MedGen C2751681, MONDO:0013083, OMIM 613014.

Allele frequency attached by ClinVar (database versions not stated): gnomAD exomes below 0.00001.

Submission:

Labcorp Genetics (formerly Invitae), Labcorp
Classification: Uncertain significance for Neuroblastoma, susceptibility to, 3. Last evaluated: 2024-03-06. Review status: criteria provided, single submitter. Criteria: Invitae Variant Classification Sherloc (09022015). Collection method: clinical testing. Allele origin: germline.
Comment: This sequence change replaces proline, which is neutral and non-polar, with serine, which is neutral and polar, at codon 367 of the ALK protein (p.Pro367Ser). This variant is present in population databases (no rsID available, gnomAD 0.0009%). This variant has not been reported in the literature in individuals affected with ALK-related conditions. ClinVar contains an entry for this variant (Variation ID: 1356878). An algorithm developed to predict the effect of missense changes on protein structure and function (PolyPhen-2) suggests that this variant is likely to be disruptive. In summary, the available evidence is currently insufficient to determine the role of this variant in disease. Therefore, it has been classified as a Variant of Uncertain Significance.

NM_004304.5(ALK):c.1099C>T (p.Pro367Ser)

Gene: ALK (ALK receptor tyrosine kinase; minus strand). Cytogenetic location: 2p23.2.
Variant type: single nucleotide variant.
Coding change: c.1099C>T on transcript NM_004304.5 (MANE Select); coding-DNA position 1099, C replaced by T.
Protein change: p.Pro367Ser; replaces proline 367 with serine.
Molecular consequence: missense variant.
Genome position (GRCh38, 1-based): chr2:29,531,970, G>A on the plus strand (C>T on the coding strand, the complement: ALK is on the minus strand). VCF-style: chr2-29531970-G-A. GRCh37 (hg19) VCF-style: chr2-29754836-G-A.
Other names: short protein forms P367S.
Identifiers: ClinVar variation 1356878 (VCV001356878.8), dbSNP rs1312459820, ClinGen allele CA346587275.